The following is an entry in ClinVar:

NM_000540.3(RYR1):c.6985G>C (p.Glu2329Gln)

Gene: RYR1 (ryanodine receptor 1; plus strand). Cytogenetic location: 19q13.2.
Variant type: single nucleotide variant.
Coding change: c.6985G>C on transcript NM_000540.3 (MANE Select); coding-DNA position 6985, G replaced by C.
Protein change: p.Glu2329Gln; replaces glutamic acid 2329 with glutamine.
Molecular consequence: missense variant.
Genome position (GRCh38, 1-based): chr19:38,499,201, G>C. VCF-style: chr19-38499201-G-C. GRCh37 (hg19) VCF-style: chr19-38989841-G-C.
Other names: c.6985G>C, p.Glu2329Gln (NM_001042723.2); short protein forms E2329Q.
Identifiers: ClinVar variation 3073324 (VCV003073324.1), dbSNP rs2514308657, ClinGen allele CA405667380.
Genomic context (GRCh38, chr19:38,499,201, plus strand): 5'-AGCTGCCCCATGCTTGTGGCCAAAGGGTACCCAGACATTGGCTGGAACCCCTGTGGTGGA[G>C]AGCGCTACCTGGACTTCCTGCGCTTTGCTGTCTTCGTCAACGGTGAGGAGGGGGTGGCAG-3'
Protein context (NP_000531.2, residues 2319-2339): PDIGWNPCGG[Glu2329Gln]RYLDFLRFAV

ClinVar aggregate classification (germline): Uncertain significance (1 of 4 stars; one submission).

Conditions:
Malignant hyperthermia, susceptibility to, 1 (MHS1). Also called: Anesthesia related hyperthermia; Malignant hyperpyrexia; Fulminating hyperpyrexia; Pharmacogenic myopathy; RYR1-Related Malignant Hyperthermia Susceptibility; Malignant hyperthermia suceptibility 1. Identifiers: Orphanet 423, MedGen C2930980, MONDO:0007783, OMIM 145600.

Submission:

All of Us Research Program, National Institutes of Health
Classification: Uncertain significance for Malignant hyperthermia, susceptibility to, 1. Last evaluated: 2023-09-04. Review status: criteria provided, single submitter. Criteria: ACMG Guidelines, 2015. Collection method: clinical testing. Allele origin: germline. Inheritance: Autosomal dominant inheritance. Observed: 1 variant allele, 1 heterozygote.
Comment: This missense variant replaces glutamic acid with glutamine at codon 2329 of the RYR1 protein. Computational prediction suggests that this variant may have deleterious impact on protein structure and function (internally defined REVEL score threshold >= 0.7, PMID: 27666373). To our knowledge, functional studies have not been reported for this variant. This variant has not been reported in individuals affected with RYR1-related disorders in the literature. This variant has not been identified in the general population by the Genome Aggregation Database (gnomAD). The available evidence is insufficient to determine the role of this variant in disease conclusively. Therefore, this variant is classified as a Variant of Uncertain Significance.

This study involves interpretation of variants in research participants for the purpose of population health screening. Participant phenotype was not available at the time of variant classification. Additional details can be found in publication PMID: 35346344, PMCID: PMC8962531